The following is an entry in ClinVar:

NM_203447.4(DOCK8):c.5747A>T (p.Asn1916Ile)

Gene: DOCK8 (dedicator of cytokinesis 8; plus strand). Cytogenetic location: 9p24.3.
Variant type: single nucleotide variant.
Coding change: c.5747A>T on transcript NM_203447.4 (MANE Select); coding-DNA position 5747, A replaced by T.
Protein change: p.Asn1916Ile; replaces asparagine 1916 with isoleucine.
Molecular consequence: missense variant.
Genome position (GRCh38, 1-based): chr9:446,536, A>T. VCF-style: chr9-446536-A-T. GRCh37 (hg19) VCF-style: chr9-446536-A-T.
Other names: c.5447A>T, p.Asn1816Ile (NM_001190458.2); c.5543A>T, p.Asn1848Ile (NM_001193536.2); short protein forms N1816I, N1848I, N1916I.
Identifiers: ClinVar variation 1061771 (VCV001061771.9), dbSNP rs977823599, ClinGen allele CA187823875.

ClinVar aggregate classification (germline): Uncertain significance (1 of 4 stars; one submission).

Conditions:
Combined immunodeficiency due to DOCK8 deficiency (HIES2). Also called: Hyper-IgE recurrent infection syndrome, autosomal recessive; DOCK8 Deficiency; HYPER-IgE RECURRENT INFECTION SYNDROME 2, AUTOSOMAL RECESSIVE; HYPER-IgE SYNDROME 2, AUTOSOMAL RECESSIVE, WITH RECURRENT INFECTIONS; HIES autosomal recessive. Identifiers: Orphanet 217390, MedGen C4722305, MONDO:0009478, OMIM 243700.

Allele frequency attached by ClinVar (database versions not stated): gnomAD exomes below 0.00001; gnomAD 0.00001; TOPMed 0.00001.
gnomAD v4.1: 4 of 1,614,094 alleles (0.00025%); highest among the groups gnomAD compares: Non-Finnish European, 0.00034%; no homozygotes.

Submission:

Labcorp Genetics (formerly Invitae), Labcorp
Classification: Uncertain significance for Combined immunodeficiency due to DOCK8 deficiency. Last evaluated: 2020-10-08. Review status: criteria provided, single submitter. Criteria: Invitae Variant Classification Sherloc (09022015). Collection method: clinical testing. Allele origin: germline.
Comment: This sequence change replaces asparagine with isoleucine at codon 1916 of the DOCK8 protein (p.Asn1916Ile). The asparagine residue is moderately conserved and there is a large physicochemical difference between asparagine and isoleucine. In summary, the available evidence is currently insufficient to determine the role of this variant in disease. Therefore, it has been classified as a Variant of Uncertain Significance. Algorithms developed to predict the effect of missense changes on protein structure and function are either unavailable or do not agree on the potential impact of this missense change (SIFT: "Tolerated"; PolyPhen-2: "Probably Damaging"; Align-GVGD: "Class C0"). This variant has not been reported in the literature in individuals with DOCK8-related conditions. This variant is not present in population databases (ExAC no frequency).